The following is an entry in ClinVar:

ClinVar aggregate classification (germline): Benign. Review status: criteria provided, multiple submitters, no conflicts (2 of 4 stars). 6 submissions from 4 submitters: Benign (6). Last evaluated 2021-12-05.

Conditions:
ANO5-Related Muscle Diseases. Identifiers: MedGen CN180644.
Miyoshi muscular dystrophy 3 (MMD3). Also called: Miyoshi Muscular Dystrophy 3 (MMD3); Miyoshi myopathy 3. Identifiers: Orphanet 399096, MedGen C2750076, MONDO:0013222, OMIM 613319.
Gnathodiaphyseal dysplasia (GDD). Also called: GNATHODIAPHYSEAL SCLEROSIS; OSTEOGENESIS IMPERFECTA WITH UNUSUAL SKELETAL LESIONS. Identifiers: Orphanet 53697, MedGen C1833736, MONDO:0008151, OMIM 166260.
Autosomal recessive limb-girdle muscular dystrophy type 2L (LGMDR12). Also called: Limb-girdle muscular dystrophy, type 2L; Limb-Girdle Muscular Dystrophy R12 Anoctamin-5-Related (LGMD-R12); MUSCULAR DYSTROPHY, LIMB-GIRDLE, AUTOSOMAL RECESSIVE 12. Identifiers: Orphanet 206549, MedGen C1969785, MONDO:0012652, OMIM 611307.

Allele frequency attached by ClinVar (database versions not stated): 1000 Genomes Project 0.69289; 1000 Genomes Project 30x 0.69925; TOPMed 0.70730; gnomAD 0.71632 and 0.72187.

Submissions (6):

Genome-Nilou Lab
Classification: Benign for Gnathodiaphyseal dysplasia. Last evaluated: 2021-12-05. Review status: criteria provided, single submitter. Criteria: ACMG Guidelines, 2015. Collection method: clinical testing. Allele origin: germline. Affected: no.

Genome-Nilou Lab
Classification: Benign for Miyoshi muscular dystrophy 3. Last evaluated: 2021-12-05. Review status: criteria provided, single submitter. Criteria: ACMG Guidelines, 2015. Collection method: clinical testing. Allele origin: germline. Affected: no.

Genome-Nilou Lab
Classification: Benign for Autosomal recessive limb-girdle muscular dystrophy type 2L. Last evaluated: 2021-12-05. Review status: criteria provided, single submitter. Criteria: ACMG Guidelines, 2015. Collection method: clinical testing. Allele origin: germline. Affected: no.

GeneDx
Classification: Benign. Last evaluated: 2021-05-10. Review status: criteria provided, single submitter. Criteria: GeneDx Variant Classification Process June 2021. Collection method: clinical testing. Allele origin: germline. Affected: yes.

Illumina Laboratory Services, Illumina
Classification: Benign for ANO5-Related Muscle Diseases. Last evaluated: 2018-01-12. Review status: criteria provided, single submitter. Criteria: ICSL Variant Classification Criteria 13 December 2019. Collection method: clinical testing. Allele origin: germline.
Comment: This variant was observed in the ICSL laboratory as part of a predisposition screen in an ostensibly healthy population. It had not been previously curated by ICSL or reported in the Human Gene Mutation Database (HGMD: prior to June 1st, 2018), and was therefore a candidate for classification through an automated scoring system. Utilizing variant allele frequency, disease prevalence and penetrance estimates, and inheritance mode, an automated score was calculated to assess if this variant is too frequent to cause the disease. Based on the score and internal cut-off values, a variant classified as benign is not then subjected to further curation. The score for this variant resulted in a classification of benign for this disease.

Breakthrough Genomics
Classification: Benign. Review status: criteria provided, single submitter. Criteria: ACMG Guidelines, 2015. Collection method: not provided. Allele origin: germline. Inheritance: Autosomal recessive inheritance. Affected: yes.

NM_213599.3(ANO5):c.*3178C>G

Gene: ANO5 (anoctamin 5; plus strand). Cytogenetic location: 11p14.3.
Variant type: single nucleotide variant.
Coding change: c.*3178C>G on transcript NM_213599.3 (MANE Select); 3178 bases downstream of the stop codon, C replaced by G.
Molecular consequence: 3 prime UTR variant.
Genome position (GRCh38, 1-based): chr11:22,282,943, C>G. VCF-style: chr11-22282943-C-G. GRCh37 (hg19) VCF-style: chr11-22304489-C-G.
Other names: c.*3178C>G (NM_001142649.2).
Identifiers: ClinVar variation 304163 (VCV000304163.9), dbSNP rs6483841, ClinGen allele CA10634462.